The following is an entry in ClinVar:

ClinVar aggregate classification (germline): Uncertain significance (1 of 4 stars; one submission).

Conditions:
Familial thoracic aortic aneurysm and aortic dissection (TAAD). Also called: Thoracic aortic aneurysms and dissections. Identifiers: Orphanet 91387, MedGen C4707243, MONDO:0019625.

Allele frequency attached by ClinVar (database versions not stated): ExAC 0.00001; TOPMed 0.00001; ESP Exome Variant Server 0.00008.
gnomAD v4.1: 1 of 1,612,012 alleles (0.000062%); highest among the groups gnomAD compares: African/African-American, 0.0013%; no homozygotes.

Submission:

Ambry Genetics
Classification: Uncertain significance for Familial thoracic aortic aneurysm and aortic dissection. Last evaluated: 2022-01-30. Review status: criteria provided, single submitter. Criteria: Ambry Variant Classification Scheme 2023. Collection method: clinical testing. Allele origin: germline.
Comment: The p.M2105T variant (also known as c.6314T>C), located in coding exon 34 of the NOTCH1 gene, results from a T to C substitution at nucleotide position 6314. The methionine at codon 2105 is replaced by threonine, an amino acid with similar properties. This amino acid position is conserved. In addition, this alteration is predicted to be tolerated by in silico analysis. Since supporting evidence is limited at this time, the clinical significance of this alteration remains unclear.

NM_017617.5(NOTCH1):c.6314T>C (p.Met2105Thr)

Gene: NOTCH1 (notch receptor 1; minus strand). Cytogenetic location: 9q34.3.
Variant type: single nucleotide variant.
Coding change: c.6314T>C on transcript NM_017617.5 (MANE Select); coding-DNA position 6314, T replaced by C.
Protein change: p.Met2105Thr; replaces methionine 2105 with threonine.
Molecular consequence: missense variant.
Genome position (GRCh38, 1-based): chr9:136,497,425, A>G on the plus strand (T>C on the coding strand, the complement: NOTCH1 is on the minus strand). VCF-style: chr9-136497425-A-G. GRCh37 (hg19) VCF-style: chr9-139391877-A-G.
Other names: short protein forms M2105T.
Identifiers: ClinVar variation 1752811 (VCV001752811.2), dbSNP rs373091110, ClinGen allele CA5339937.